The following is an entry in ClinVar:

NM_000726.5(CACNB4):c.*4976T>C

Gene: CACNB4 (calcium voltage-gated channel auxiliary subunit beta 4; minus strand). Cytogenetic location: 2q23.3.
Variant type: single nucleotide variant.
Coding change: c.*4976T>C on transcript NM_000726.5 (MANE Select); 4976 bases downstream of the stop codon, T replaced by C.
Molecular consequence: 3 prime UTR variant.
Genome position (GRCh38, 1-based): chr2:151,834,143, A>G on the plus strand (T>C on the coding strand, the complement: CACNB4 is on the minus strand). VCF-style: chr2-151834143-A-G. GRCh37 (hg19) VCF-style: chr2-152690657-A-G.
Other names: c.*4976T>C (NM_001005746.4, NM_001005747.4, NM_001145798.3 and 7 more transcripts).
Identifiers: ClinVar variation 331563 (VCV000331563.6), dbSNP rs191424720, ClinGen allele CA10611378.

ClinVar aggregate classification (germline): Benign (1 of 4 stars; one submission).

Conditions:
Episodic ataxia type 5. Identifiers: Orphanet 211067, MedGen C1866039, MONDO:0013464, OMIM 613855.

Allele frequency attached by ClinVar (database versions not stated): TOPMed 0.00027; gnomAD 0.00042 and 0.00049; 1000 Genomes Project 30x 0.00109; 1000 Genomes Project 0.00140.

Submission:

Illumina Laboratory Services, Illumina
Classification: Benign for Episodic ataxia type 5. Last evaluated: 2018-01-13. Review status: criteria provided, single submitter. Criteria: ICSL Variant Classification Criteria 13 December 2019. Collection method: clinical testing. Allele origin: germline.
Comment: This variant was observed in the ICSL laboratory as part of a predisposition screen in an ostensibly healthy population. It had not been previously curated by ICSL or reported in the Human Gene Mutation Database (HGMD: prior to June 1st, 2018), and was therefore a candidate for classification through an automated scoring system. Utilizing variant allele frequency, disease prevalence and penetrance estimates, and inheritance mode, an automated score was calculated to assess if this variant is too frequent to cause the disease. Based on the score and internal cut-off values, a variant classified as benign is not then subjected to further curation. The score for this variant resulted in a classification of benign for this disease.